The following is an entry in ClinVar:

NM_001282531.3(ADNP):c.2239G>T (p.Glu747Ter)

Gene: ADNP (activity dependent neuroprotector homeobox; minus strand). Cytogenetic location: 20q13.13.
Variant type: single nucleotide variant.
Coding change: c.2239G>T on transcript NM_001282531.3 (MANE Select); coding-DNA position 2239, G replaced by T.
Protein change: p.Glu747Ter; replaces glutamic acid 747 with a stop codon.
Molecular consequence: nonsense.
Genome position (GRCh38, 1-based): chr20:50,892,475, C>A on the plus strand (G>T on the coding strand, the complement: ADNP is on the minus strand). VCF-style: chr20-50892475-C-A. GRCh37 (hg19) VCF-style: chr20-49509012-C-A.
Other names: c.2239G>T, p.Glu747Ter (NM_001282532.2, NM_001347511.2, NM_015339.5 and 1 more transcripts); short protein forms E747*.
Identifiers: ClinVar variation 489048 (VCV000489048.2), dbSNP rs1555809953, ClinGen allele CA408970898.
Genomic context (GRCh38, chr20:50,892,475, plus strand): 5'-TGGCTTCATAGGAATCATCTTCATGACCCTTGGGGTCTAAAGCTAAAACAACAGGCTCTT[C>A]AGGCTTCTCTTCAAAGAAGCTGGGTGAATCACTATCATCATCTAACTTTCGTTTTTTCAG-3'

ClinVar aggregate classification (germline): Pathogenic (1 of 4 stars; one submission).

Submission:

GeneDx
Classification: Pathogenic. Last evaluated: 2017-08-15. Review status: criteria provided, single submitter. Criteria: GeneDx Variant Classification (06012015). Collection method: clinical testing. Allele origin: germline. Affected: yes.
Comment: The E747X variant in the ADNP gene has not been reported previously as a pathogenic variant nor as a benign variant, to our knowledge. This variant is predicted to cause loss of normal protein function through protein truncation. The E747X variant is not observed in large population cohorts (Lek et al., 2016; 1000 Genomes Consortium et al., 2015; Exome Variant Server). We interpret E747X as a pathogenic variant.